The following is an entry in ClinVar:

ClinVar aggregate classification (germline): Uncertain significance. Review status: criteria provided, multiple submitters, no conflicts (2 of 4 stars). 2 submissions from 2 submitters: Uncertain significance (2). Last evaluated 2025-09-02.

Conditions:
Inborn genetic diseases. Identifiers: MedGen C0950123, MeSH D030342.

gnomAD v4.1: 4 of 1,610,988 alleles (0.00025%); highest among the groups gnomAD compares: African/African-American, 0.0013%; no homozygotes.

Submissions (2):

Labcorp Genetics (formerly Invitae), Labcorp
Classification: Uncertain significance. Last evaluated: 2025-09-02. Review status: criteria provided, single submitter. Criteria: Invitae Variant Classification Sherloc (09022015). Collection method: clinical testing. Allele origin: germline.
Comment: This sequence change replaces proline, which is neutral and non-polar, with serine, which is neutral and polar, at codon 34 of the USP7 protein (p.Pro34Ser). This variant is not present in population databases (gnomAD no frequency). This variant has not been reported in the literature in individuals affected with USP7-related conditions. ClinVar contains an entry for this variant (Variation ID: 3467325). An algorithm developed to predict the effect of missense changes on protein structure and function (PolyPhen-2) suggests that this variant is likely to be tolerated. In summary, the available evidence is currently insufficient to determine the role of this variant in disease. Therefore, it has been classified as a Variant of Uncertain Significance.

Ambry Genetics
Classification: Uncertain significance for Inborn genetic diseases. Last evaluated: 2024-10-09. Review status: criteria provided, single submitter. Criteria: Ambry Variant Classification Scheme 2023. Collection method: clinical testing. Allele origin: germline.

NM_003470.3(USP7):c.100C>T (p.Pro34Ser)

Gene: USP7 (ubiquitin specific peptidase 7; minus strand). Cytogenetic location: 16p13.2.
Variant type: single nucleotide variant.
Coding change: c.100C>T on transcript NM_003470.3 (MANE Select); coding-DNA position 100, C replaced by T.
Protein change: p.Pro34Ser; replaces proline 34 with serine.
Molecular consequence: missense variant. On other transcripts: 5 prime UTR variant (2), non-coding transcript variant (1).
Genome position (GRCh38, 1-based): chr16:8,930,377, G>A on the plus strand (C>T on the coding strand, the complement: USP7 is on the minus strand). VCF-style: chr16-8930377-G-A. GRCh37 (hg19) VCF-style: chr16-9024234-G-A.
Other names: c.52C>T, p.Pro18Ser (NM_001286457.2); c.-373C>T (NM_001286458.2); c.-75C>T (NM_001321858.2); short protein forms P34S, P18S.
Identifiers: ClinVar variation 3467325 (VCV003467325.3).